The following is an entry in ClinVar:

ClinVar aggregate classification (germline): Likely benign (0 of 4 stars; one submission).

Conditions:
KLF10-related disorder. Also called: KLF10-related condition.

Allele frequency attached by ClinVar (database versions not stated): TOPMed below 0.00001.

Submission:

PreventionGenetics, part of Exact Sciences
Classification: Likely benign for KLF10-related condition. Last evaluated: 2019-08-09. Review status: no assertion criteria provided. Collection method: clinical testing. Allele origin: germline.
Comment: This variant is classified as likely benign based on ACMG/AMP sequence variant interpretation guidelines (Richards et al. 2015 PMID: 25741868, with internal and published modifications).

NM_005655.4(KLF10):c.777A>C (p.Pro259=)

Gene: KLF10 (KLF transcription factor 10; minus strand). Cytogenetic location: 8q22.3.
Variant type: single nucleotide variant.
Coding change: c.777A>C on transcript NM_005655.4 (MANE Select); coding-DNA position 777, A replaced by C.
Protein change: p.Pro259=; no amino-acid change (proline 259 retained).
Molecular consequence: synonymous variant.
Genome position (GRCh38, 1-based): chr8:102,651,555, T>G on the plus strand (A>C on the coding strand, the complement: KLF10 is on the minus strand). VCF-style: chr8-102651555-T-G. GRCh37 (hg19) VCF-style: chr8-103663783-T-G.
Other names: c.744A>C, p.Pro248= (NM_001032282.4).
Identifiers: ClinVar variation 3035444 (VCV003035444.2), dbSNP rs1587834203, ClinGen allele CA462451454.